The following is an entry in ClinVar:

ClinVar aggregate classification (germline): Uncertain significance (1 of 4 stars; one submission).

Submission:

CeGaT Center for Human Genetics Tuebingen
Classification: Uncertain significance. Last evaluated: 2022-09-01. Review status: criteria provided, single submitter. Criteria: CeGaT Center For Human Genetics Tuebingen Variant Classification Criteria Version 2. Collection method: clinical testing. Allele origin: germline. Affected: yes. Observed: 1 variant allele.
Comment: SYP: PM2

NM_003179.3(SYP):c.512C>T (p.Thr171Ile)

Gene: SYP (synaptophysin; minus strand). Cytogenetic location: Xp11.23.
Variant type: single nucleotide variant.
Coding change: c.512C>T on transcript NM_003179.3 (MANE Select); coding-DNA position 512, C replaced by T.
Protein change: p.Thr171Ile; replaces threonine 171 with isoleucine.
Molecular consequence: missense variant.
Genome position (GRCh38, 1-based): chrX:49,193,375, G>A on the plus strand (C>T on the coding strand, the complement: SYP is on the minus strand). VCF-style: chrX-49193375-G-A. GRCh37 (hg19) VCF-style: chrX-49049832-G-A.
Other names: short protein forms T171I.
Identifiers: ClinVar variation 2660517 (VCV002660517.24), dbSNP rs1387775079, ClinGen allele CA412952879.